The following is an entry in ClinVar:

NM_015374.3(SUN2):c.182C>T (p.Pro61Leu)

Gene: SUN2 (Sad1 and UNC84 domain containing 2; minus strand). Cytogenetic location: 22q13.1.
Variant type: single nucleotide variant.
Coding change: c.182C>T on transcript NM_015374.3 (MANE Select); coding-DNA position 182, C replaced by T.
Protein change: p.Pro61Leu; replaces proline 61 with leucine.
Molecular consequence: missense variant. On other transcripts: intron variant (2).
Genome position (GRCh38, 1-based): chr22:38,751,314, G>A on the plus strand (C>T on the coding strand, the complement: SUN2 is on the minus strand). VCF-style: chr22-38751314-G-A. GRCh37 (hg19) VCF-style: chr22-39147319-G-A.
Other names: c.182C>T, p.Pro61Leu (NM_001199579.2, NM_001394436.1, NM_001394437.1 and 16 more transcripts); c.122+1193C>T (NM_001394443.1); c.123-31C>T (NM_001394438.1); c.182C>T (NM_015374.2); short protein forms P61L.
Identifiers: ClinVar variation 1944987 (VCV001944987.6), dbSNP rs377339200, ClinGen allele CA10236066.
Genomic context (GRCh38, chr22:38,751,314, plus strand): 5'-GGGAACCAGGACTCGTGGACCAGCGACTCACTGTAGTAGGAGGTGTGTGCATCAGAGGAC[G>A]GGCCCAGCTGTGGCGCTGGGGACAGGCGCTTCATGTTGCTGGATTTCCTCTTCAAGGTCC-3'
Protein context (NP_056189.1, residues 51-71): KRLSPAPQLG[Pro61Leu]SSDAHTSYYS

ClinVar aggregate classification (germline): Uncertain significance. Review status: criteria provided, multiple submitters, no conflicts (2 of 4 stars). 2 submissions from 2 submitters: Uncertain significance (2). Last evaluated 2025-02-03.

Conditions:
Emery-Dreifuss muscular dystrophy (EDMD). Also called: Scapuloperoneal syndrome, X-linked (formerly); Humeroperoneal neuromuscular disease, (formerly). Identifiers: Orphanet 261, MedGen C0410189, MONDO:0016830.

Allele frequency attached by ClinVar (database versions not stated): ExAC 0.00002; gnomAD exomes 0.00002; gnomAD 0.00004; TOPMed 0.00007; ESP Exome Variant Server 0.00008.
gnomAD v4.1: 30 of 1,614,008 alleles (0.0019%); highest among the groups gnomAD compares: Admixed American, 0.01%; no homozygotes.

Submissions (2):

Ambry Genetics
Classification: Uncertain significance. Last evaluated: 2025-02-03. Review status: criteria provided, single submitter. Criteria: Ambry Variant Classification Scheme 2023. Collection method: clinical testing. Allele origin: germline.

Labcorp Genetics (formerly Invitae), Labcorp
Classification: Uncertain significance for Emery-Dreifuss muscular dystrophy. Last evaluated: 2023-02-25. Review status: criteria provided, single submitter. Criteria: Invitae Variant Classification Sherloc (09022015). Collection method: clinical testing. Allele origin: germline.
Comment: ClinVar contains an entry for this variant (Variation ID: 1944987). In summary, the available evidence is currently insufficient to determine the role of this variant in disease. Therefore, it has been classified as a Variant of Uncertain Significance. An algorithm developed to predict the effect of missense changes on protein structure and function (PolyPhen-2) suggests that this variant is likely to be tolerated. This variant has not been reported in the literature in individuals affected with SUN2-related conditions. This variant is present in population databases (rs377339200, gnomAD 0.006%). This sequence change replaces proline, which is neutral and non-polar, with leucine, which is neutral and non-polar, at codon 61 of the SUN2 protein (p.Pro61Leu).